The following is an entry in ClinVar:

ClinVar aggregate classification (germline): Uncertain significance (1 of 4 stars; one submission).

Submission:

Labcorp Genetics (formerly Invitae), Labcorp
Classification: Uncertain significance. Last evaluated: 2022-08-22. Review status: criteria provided, single submitter. Criteria: Invitae Variant Classification Sherloc (09022015). Collection method: clinical testing. Allele origin: germline.
Comment: In summary, the available evidence is currently insufficient to determine the role of this variant in disease. Therefore, it has been classified as a Variant of Uncertain Significance. Algorithms developed to predict the effect of sequence changes on RNA splicing suggest that this variant may create or strengthen a splice site. This variant has not been reported in the literature in individuals affected with TTLL5-related conditions. This variant is not present in population databases (gnomAD no frequency). This sequence change falls in intron 22 of the TTLL5 gene. It does not directly change the encoded amino acid sequence of the TTLL5 protein.

NM_015072.5(TTLL5):c.2284-5G>C

Gene: TTLL5 (tubulin tyrosine ligase like 5; plus strand). Cytogenetic location: 14q24.3.
Variant type: single nucleotide variant.
Coding change: c.2284-5G>C on transcript NM_015072.5 (MANE Select); 5 bases into the intron before coding-DNA position 2284, G replaced by C.
Molecular consequence: intron variant.
Genome position (GRCh38, 1-based): chr14:75,776,742, G>C. VCF-style: chr14-75776742-G-C. GRCh37 (hg19) VCF-style: chr14-76243085-G-C.
Identifiers: ClinVar variation 2110509 (VCV002110509.4), dbSNP rs2503282863, ClinGen allele CA2580088772.